The following is an entry in ClinVar:

ClinVar aggregate classification (germline): Uncertain significance. Review status: criteria provided, single submitter (1 of 4 stars). 2 submissions from 2 submitters: Uncertain significance (1). 1 of the submissions does not count toward it. Last evaluated 2018-01-13.

Conditions:
CD36-related disorder. Also called: CD36-related disorders; CD36-related condition.
Platelet-type bleeding disorder 10. Also called: CD36 DEFICIENCY. Identifiers: MedGen C1842090, MONDO:0012031, OMIM 608404.

Allele frequency attached by ClinVar (database versions not stated): gnomAD exomes 0.00023 and 0.00024; gnomAD 0.00017; ExAC 0.00020; ESP Exome Variant Server 0.00023; TOPMed 0.00018.
gnomAD v4.1: 391 of 1,613,930 alleles (0.024%); highest among the groups gnomAD compares: Middle Eastern, 0.033%; no homozygotes.

Submissions (2):

Illumina Laboratory Services, Illumina
Classification: Uncertain significance for Platelet-type bleeding disorder 10. Last evaluated: 2018-01-13. Review status: criteria provided, single submitter. Criteria: ICSL Variant Classification Criteria 13 December 2019. Collection method: clinical testing. Allele origin: germline.

PreventionGenetics, part of Exact Sciences
Classification: Likely benign for CD36-related condition. Last evaluated: 2023-07-11. Review status: no assertion criteria provided. Collection method: clinical testing. Allele origin: germline. Not counted in ClinVar's aggregate classification.
Comment: This variant is classified as likely benign based on ACMG/AMP sequence variant interpretation guidelines (Richards et al. 2015 PMID: 25741868, with internal and published modifications).

NM_001001548.3(CD36):c.403T>C (p.Phe135Leu)

Gene: CD36 (CD36 molecule (CD36 blood group); plus strand). Cytogenetic location: 7q21.11.
Variant type: single nucleotide variant.
Coding change: c.403T>C on transcript NM_001001548.3 (MANE Select); coding-DNA position 403, T replaced by C.
Protein change: p.Phe135Leu; replaces phenylalanine 135 with leucine.
Molecular consequence: missense variant. On other transcripts: 5 prime UTR variant (2), non-coding transcript variant (1).
Genome position (GRCh38, 1-based): chr7:80,661,184, T>C. VCF-style: chr7-80661184-T-C. GRCh37 (hg19) VCF-style: chr7-80290500-T-C.
Other names: c.403T>C, p.Phe135Leu (NM_000072.3, NM_001001547.3, NM_001127443.2 and 7 more transcripts); c.175T>C, p.Phe59Leu (NM_001289911.2); c.301T>C, p.Phe101Leu (NM_001371079.1); c.-63T>C (NM_001371080.1); c.-80T>C (NM_001371081.1); short protein forms F59L, F101L, F135L.
Identifiers: ClinVar variation 909794 (VCV000909794.6), dbSNP rs140968958, ClinGen allele CA4315151.